The following is an entry in ClinVar:

ClinVar aggregate classification (germline): Benign/Likely benign. Review status: criteria provided, multiple submitters, no conflicts (2 of 4 stars). 5 submissions from 5 submitters: Benign (2); Likely benign (3). Last evaluated 2026-01-24.

Conditions:
Pyruvate dehydrogenase E3 deficiency (DLDD). Also called: MAPLE SYRUP URINE DISEASE, TYPE III; DLD DEFICIENCY; E3 DEFICIENCY; Lipoamide dehydrogenase deficiency; Lipoamide dehydrogenase deficiency, lactic acidosis due to; Dihydrolipoamide Dehydrogenase Deficiency. Identifiers: Orphanet 2394, Orphanet 765, MedGen C5574660, MONDO:0009529, OMIM 246900.

Allele frequency attached by ClinVar (database versions not stated): 1000 Genomes Project 30x 0.00031; 1000 Genomes Project 0.00040; TOPMed 0.00092; ESP Exome Variant Server 0.00100; gnomAD 0.00155 and 0.00160; gnomAD exomes 0.00159 and 0.00190; ExAC 0.00258.
gnomAD v4.1: 2,513 of 1,586,292 alleles (0.16%); highest among the groups gnomAD compares: Non-Finnish European, 0.15%; 6 homozygotes.

Submissions (5):

Labcorp Genetics (formerly Invitae), Labcorp
Classification: Benign for Pyruvate dehydrogenase E3 deficiency. Last evaluated: 2026-01-24. Review status: criteria provided, single submitter. Criteria: Invitae Variant Classification Sherloc (09022015). Collection method: clinical testing. Allele origin: germline.

Mayo Clinic Laboratories, Mayo Clinic
Classification: Likely benign. Last evaluated: 2025-05-27. Review status: criteria provided, single submitter. Criteria: ACMG Guidelines, 2015. Collection method: clinical testing. Allele origin: germline. Observed: 1 variant allele.
Comment: PM2_supporting

Women's Health and Genetics/Laboratory Corporation of America, LabCorp
Classification: Likely benign. Last evaluated: 2024-12-12. Review status: criteria provided, single submitter. Criteria: LabCorp Variant Classification Summary - May 2015. Collection method: clinical testing. Allele origin: germline.

Blueprint Genetics
Classification: Likely benign. Last evaluated: 2024-11-22. Review status: criteria provided, single submitter. Criteria: ACMG Guidelines, 2015. Collection method: clinical testing. Allele origin: germline.

GeneDx
Classification: Benign. Last evaluated: 2013-09-19. Review status: criteria provided, single submitter. Criteria: GeneDx Variant Classification (06012015). Collection method: clinical testing. Allele origin: germline. Affected: yes.
Comment: This variant is considered likely benign or benign based on one or more of the following criteria: it is a conservative change, it occurs at a poorly conserved position in the protein, it is predicted to be benign by multiple in silico algorithms, and/or has population frequency not consistent with disease.

NM_000108.5(DLD):c.338-18T>A

Gene: DLD (dihydrolipoamide dehydrogenase; plus strand). Cytogenetic location: 7q31.1.
Variant type: single nucleotide variant.
Coding change: c.338-18T>A on transcript NM_000108.5 (MANE Select); 18 bases into the intron before coding-DNA position 338, T replaced by A.
Molecular consequence: intron variant.
Genome position (GRCh38, 1-based): chr7:107,904,940, T>A. VCF-style: chr7-107904940-T-A. GRCh37 (hg19) VCF-style: chr7-107545385-T-A.
Other names: p.?; c.338-18T>A (NM_001289752.1); c.269-18T>A (NM_001289751.1); c.41-18T>A (NM_001289750.1).
Identifiers: ClinVar variation 137093 (VCV000137093.15), dbSNP rs184851386, ClinGen allele CA290605.